The following is an entry in ClinVar:

NM_007194.4(CHEK2):c.10G>A (p.Glu4Lys)

Gene: CHEK2 (checkpoint kinase 2; minus strand). Cytogenetic location: 22q12.1.
Variant type: single nucleotide variant.
Coding change: c.10G>A on transcript NM_007194.4 (MANE Select); coding-DNA position 10, G replaced by A.
Protein change: p.Glu4Lys; replaces glutamic acid 4 with lysine.
Molecular consequence: missense variant.
Genome position (GRCh38, 1-based): chr22:28,734,712, C>T on the plus strand (G>A on the coding strand, the complement: CHEK2 is on the minus strand). VCF-style: chr22-28734712-C-T. GRCh37 (hg19) VCF-style: chr22-29130700-C-T.
Other names: c.10G>A, p.Glu4Lys (NM_001005735.3, NM_001349956.3, NM_145862.3); c.-768G>A (NM_001257387.3); short protein forms E4K.
Identifiers: ClinVar variation 481733 (VCV000481733.18), dbSNP rs1555932959, ClinGen allele CA411092129.
Genomic context (GRCh38, chr22:28,734,712, plus strand): 5'-TGCCATGGGGCTGTGAACAGGCACTGCTGCCATGAGACTGCTGAGCCTCAACATCCGACT[C>T]CCGAGACATCACGACCTCAAAAAGAAAGTGTCCAACAACAAAGGTGAGTTTCAAGGCACA-3'
Protein context (NP_009125.1, residues 1-14): MSR[Glu4Lys]SDVEAQQSHG

ClinVar aggregate classification (germline): Uncertain significance. Review status: criteria provided, multiple submitters, no conflicts (2 of 4 stars). 4 submissions from 4 submitters: Uncertain significance (4). Last evaluated 2025-09-19.

Conditions:
Familial cancer of breast. Also called: BREAST CANCER, FAMILIAL; Hereditary breast cancer; hereditary breast carcinoma. Identifiers: Orphanet 227535, MedGen C0346153, MONDO:0016419, OMIM 114480. Disease mechanism: loss of function.
Hereditary cancer-predisposing syndrome. Also called: Neoplastic Syndromes, Hereditary; Tumor predisposition; Hereditary Cancer Syndrome; Hereditary neoplastic syndrome. Identifiers: Orphanet 140162, MedGen C0027672, MeSH D009386, MONDO:0015356.

Submissions (4):

Women's Health and Genetics/Laboratory Corporation of America, LabCorp
Classification: Uncertain significance. Last evaluated: 2025-09-19. Review status: criteria provided, single submitter. Criteria: LabCorp Variant Classification Summary - May 2015. Collection method: clinical testing. Allele origin: germline.
Comment: Variant summary: CHEK2 c.10G>A (p.Glu4Lys) results in a conservative amino acid change in the encoded protein sequence. Algorithms developed to predict the effect of missense changes on protein structure and function are either unavailable or do not agree on the potential impact of this missense change. The variant was absent in 244852 control chromosomes. The available data on variant occurrences in the general population are insufficient to allow any conclusion about variant significance. c.10G>A has been observed in individual(s) affected with endometrial cancer (Tian_2019). These report(s) do not provide unequivocal conclusions about association of the variant with Hereditary Breast And Ovarian Cancer Syndrome. To our knowledge, no experimental evidence demonstrating an impact on protein function has been reported. The following publication has been ascertained in the context of this evaluation (PMID: 31054147). ClinVar contains an entry for this variant (Variation ID: 481733). Based on the evidence outlined above, the variant was classified as uncertain significance.

Ambry Genetics
Classification: Uncertain significance for Hereditary cancer-predisposing syndrome. Last evaluated: 2025-09-12. Review status: criteria provided, single submitter. Criteria: Ambry Variant Classification Scheme 2023. Collection method: clinical testing. Allele origin: germline.
Comment: The p.E4K variant (also known as c.10G>A), located in coding exon 1 of the CHEK2 gene, results from a G to A substitution at nucleotide position 10. The glutamic acid at codon 4 is replaced by lysine, an amino acid with similar properties. This amino acid position is highly conserved in available vertebrate species. In addition, this alteration is predicted to be deleterious by in silico analysis. Since supporting evidence is limited at this time, the clinical significance of this alteration remains unclear.

Labcorp Genetics (formerly Invitae), Labcorp
Classification: Uncertain significance for Familial cancer of breast. Last evaluated: 2025-04-30. Review status: criteria provided, single submitter. Criteria: Invitae Variant Classification Sherloc (09022015). Collection method: clinical testing. Allele origin: germline.
Comment: This sequence change replaces glutamic acid, which is acidic and polar, with lysine, which is basic and polar, at codon 4 of the CHEK2 protein (p.Glu4Lys). This variant is not present in population databases (gnomAD no frequency). This variant has not been reported in the literature in individuals affected with CHEK2-related conditions. ClinVar contains an entry for this variant (Variation ID: 481733). An algorithm developed to predict the effect of missense changes on protein structure and function (PolyPhen-2) suggests that this variant is likely to be tolerated. In summary, the available evidence is currently insufficient to determine the role of this variant in disease. Therefore, it has been classified as a Variant of Uncertain Significance.

Color Diagnostics, LLC DBA Color Health
Classification: Uncertain significance for Hereditary cancer-predisposing syndrome. Last evaluated: 2020-07-13. Review status: criteria provided, single submitter. Criteria: ACMG Guidelines, 2015. Collection method: clinical testing. Allele origin: germline.
Comment: This missense variant replaces glutamic acid with lysine at codon 4 of the CHEK2 protein. Computational prediction suggests that this variant may not impact protein structure and function (internally defined REVEL score threshold <= 0.5, PMID: 27666373). To our knowledge, functional studies have not been reported for this variant. This variant has not been reported in individuals affected with hereditary cancer in the literature. This variant has not been identified in the general population by the Genome Aggregation Database (gnomAD). The available evidence is insufficient to determine the role of this variant in disease conclusively. Therefore, this variant is classified as a Variant of Uncertain Significance.

Literature cited by the submitters: PubMed 31054147 (cited by Women's Health and Genetics/Laboratory Corporation of America, LabCorp).